The following is an entry in ClinVar:

ClinVar aggregate classification (germline): Uncertain significance. Review status: criteria provided, multiple submitters, no conflicts (2 of 4 stars). 2 submissions from 2 submitters: Uncertain significance (2). Last evaluated 2025-12-01.

Conditions:
Tuberous sclerosis 1 (TSC1). Identifiers: Orphanet 805, MedGen C1854465, MONDO:0008612, OMIM 191100.
Hereditary cancer-predisposing syndrome. Also called: Tumor predisposition; Hereditary Cancer Syndrome; Neoplastic Syndromes, Hereditary; Hereditary neoplastic syndrome. Identifiers: Orphanet 140162, MedGen C0027672, MeSH D009386, MONDO:0015356.

Submissions (2):

Labcorp Genetics (formerly Invitae), Labcorp
Classification: Uncertain significance for Tuberous sclerosis 1. Last evaluated: 2025-12-01. Review status: criteria provided, single submitter. Criteria: Invitae Variant Classification Sherloc (09022015). Collection method: clinical testing. Allele origin: germline.
Comment: This sequence change replaces histidine, which is basic and polar, with arginine, which is basic and polar, at codon 870 of the TSC1 protein (p.His870Arg). This variant is not present in population databases (gnomAD no frequency). This variant has not been reported in the literature in individuals affected with TSC1-related conditions. ClinVar contains an entry for this variant (Variation ID: 1010309). Invitae Evidence Modeling of protein sequence and biophysical properties (such as structural, functional, and spatial information, amino acid conservation, physicochemical variation, residue mobility, and thermodynamic stability) indicates that this missense variant is not expected to disrupt TSC1 protein function with a negative predictive value of 95%. In summary, the available evidence is currently insufficient to determine the role of this variant in disease. Therefore, it has been classified as a Variant of Uncertain Significance.

Ambry Genetics
Classification: Uncertain significance for Hereditary cancer-predisposing syndrome. Last evaluated: 2024-03-12. Review status: criteria provided, single submitter. Criteria: Ambry Variant Classification Scheme 2023. Collection method: clinical testing. Allele origin: germline.
Comment: The p.H870R variant (also known as c.2609A>G), located in coding exon 18 of the TSC1 gene, results from an A to G substitution at nucleotide position 2609. The histidine at codon 870 is replaced by arginine, an amino acid with highly similar properties. This amino acid position is conserved. In addition, this alteration is predicted to be tolerated by in silico analysis. Based on the available evidence, the clinical significance of this alteration remains unclear.

NM_000368.5(TSC1):c.2609A>G (p.His870Arg)

Gene: TSC1 (TSC complex subunit 1; minus strand). Cytogenetic location: 9q34.13.
Variant type: single nucleotide variant.
Coding change: c.2609A>G on transcript NM_000368.5 (MANE Select); coding-DNA position 2609, A replaced by G.
Protein change: p.His870Arg; replaces histidine 870 with arginine.
Molecular consequence: missense variant.
Genome position (GRCh38, 1-based): chr9:132,900,731, T>C on the plus strand (A>G on the coding strand, the complement: TSC1 is on the minus strand). VCF-style: chr9-132900731-T-C. GRCh37 (hg19) VCF-style: chr9-135776118-T-C.
Other names: c.2606A>G, p.His869Arg (NM_001162426.2); c.2456A>G, p.His819Arg (NM_001162427.2); c.2246A>G, p.His749Arg (NM_001362177.2); c.2609A>G (NM_000368.4); short protein forms H749R, H819R, H869R, H870R.
Identifiers: ClinVar variation 1010309 (VCV001010309.9), dbSNP rs1845327392, ClinGen allele CA375369881.
Genomic context (GRCh38, chr9:132,900,731, plus strand): 5'-AAACGCTTTCCCCACTAAGGTCTGGCTCCCGAGCCCTGGCATACCTTTGTGGTATCTGAG[T>C]GCTTGTTCTGCAGTTGTTCCAAATAGAGCTCGTTGACCTCCCCAAGAACCAACAGCTGCC-3'
Protein context (NP_000359.1, residues 860-880): ELYLEQLQNK[His870Arg]SDTTKEVEMM